The following is an entry in ClinVar:

ClinVar aggregate classification (germline): Uncertain significance. Review status: criteria provided, multiple submitters, no conflicts (2 of 4 stars). 2 submissions from 2 submitters: Uncertain significance (2). Last evaluated 2025-08-06.

Conditions:
Myofibrillar myopathy 5. Also called: Filaminopathy (type); FILAMINOPATHY, AUTOSOMAL DOMINANT. Identifiers: Orphanet 171445, MedGen C1836050, MONDO:0012289, OMIM 609524.
Distal myopathy with posterior leg and anterior hand involvement. Also called: WILLIAMS DISTAL MYOPATHY. Identifiers: Orphanet 63273, MedGen C3279722, MONDO:0013550, OMIM 614065.
Hypertrophic cardiomyopathy 26. Also called: Cardiomyopathy, familial hypertrophic, 26. Identifiers: Orphanet 75249, MedGen C4310749, MONDO:0014883, OMIM 617047.
Cardiovascular phenotype. Identifiers: MedGen CN230736.

Submissions (2):

Labcorp Genetics (formerly Invitae), Labcorp
Classification: Uncertain significance for Distal myopathy with posterior leg and anterior hand involvement; Myofibrillar myopathy 5; Hypertrophic cardiomyopathy 26. Last evaluated: 2025-08-06. Review status: criteria provided, single submitter. Criteria: Invitae Variant Classification Sherloc (09022015). Collection method: clinical testing. Allele origin: germline.
Comment: This sequence change replaces arginine, which is basic and polar, with histidine, which is basic and polar, at codon 2180 of the FLNC protein (p.Arg2180His). This variant is not present in population databases (gnomAD no frequency). This variant has not been reported in the literature in individuals affected with FLNC-related conditions. ClinVar contains an entry for this variant (Variation ID: 863416). An algorithm developed to predict the effect of missense changes on protein structure and function (PolyPhen-2) suggests that this variant is likely to be tolerated. In summary, the available evidence is currently insufficient to determine the role of this variant in disease. Therefore, it has been classified as a Variant of Uncertain Significance.

Ambry Genetics
Classification: Uncertain significance for Cardiovascular phenotype. Last evaluated: 2022-09-27. Review status: criteria provided, single submitter. Criteria: Ambry Variant Classification Scheme 2023. Collection method: clinical testing. Allele origin: germline.
Comment: The p.R2180H variant (also known as c.6539G>A), located in coding exon 40 of the FLNC gene, results from a G to A substitution at nucleotide position 6539. The arginine at codon 2180 is replaced by histidine, an amino acid with highly similar properties. This alteration has been reported in a pediatric dilated cardiomyopathy cohort (Khan RS et al. J Am Heart Assoc, 2022 01;11:e022854). This amino acid position is highly conserved in available vertebrate species. In addition, this alteration is predicted to be tolerated by in silico analysis. Since supporting evidence is limited at this time, the clinical significance of this alteration remains unclear.

Literature cited by the submitters: PubMed 34935411 (cited by Ambry Genetics).

NM_001458.5(FLNC):c.6539G>A (p.Arg2180His)

Genes: FLNC-AS1 (FLNC antisense RNA 1; minus strand), FLNC (filamin C; plus strand). Cytogenetic location: 7q32.1.
Variant type: single nucleotide variant.
Coding change: c.6539G>A on transcript NM_001458.5 (MANE Select); coding-DNA position 6539, G replaced by A.
Protein change: p.Arg2180His; replaces arginine 2180 with histidine.
Molecular consequence: missense variant.
Genome position (GRCh38, 1-based): chr7:128,854,028, G>A. VCF-style: chr7-128854028-G-A. GRCh37 (hg19) VCF-style: chr7-128494082-G-A.
Other names: c.6440G>A, p.Arg2147His (NM_001127487.2); short protein forms R2147H, R2180H.
Identifiers: ClinVar variation 863416 (VCV000863416.12), dbSNP rs1554401209, ClinGen allele CA369212775.